The following is an entry in ClinVar:

ClinVar aggregate classification (germline): Uncertain significance (1 of 4 stars; one submission).

Conditions:
Neurodevelopmental disorder with hypotonia and gross motor and speech delay. Identifiers: MedGen C5562031, MONDO:0859207, OMIM 619639.

Submission:

Juno Genomics, Hangzhou Juno Genomics, Inc
Classification: Uncertain significance for Neurodevelopmental disorder with hypotonia and gross motor and speech delay. Review status: criteria provided, single submitter. Criteria: ACMG Guidelines, 2015. Collection method: clinical testing. Allele origin: germline.
Comment: Null variant in a gene where loss of function (LOF) is a known mechanism of disease.;Absent from controls (or at extremely low frequency if recessive) in Genome Aggregation Database.

NM_001204077.2(UBE4A):c.3161G>A (p.Trp1054Ter)

Genes: UBE4A (ubiquitination factor E4A; plus strand), LOC100131626 (uncharacterized LOC100131626; minus strand). Cytogenetic location: 11q23.3.
Variant type: single nucleotide variant.
Coding change: c.3161G>A on transcript NM_001204077.2 (MANE Select); coding-DNA position 3161, G replaced by A.
Protein change: p.Trp1054Ter; replaces tryptophan 1054 with a stop codon.
Molecular consequence: nonsense.
Genome position (GRCh38, 1-based): chr11:118,396,400, G>A. VCF-style: chr11-118396400-G-A. GRCh37 (hg19) VCF-style: chr11-118267115-G-A.
Other names: c.3182G>A, p.Trp1061Ter (NM_004788.4); short protein forms W1061*, W1054*.
Identifiers: ClinVar variation 5007787 (VCV005007787.2).